The following is an entry in ClinVar:

NM_007294.4(BRCA1):c.1116G>A (p.Trp372Ter)

Gene: BRCA1 (BRCA1 DNA repair associated; minus strand). Cytogenetic location: 17q21.31.
Variant type: single nucleotide variant.
Coding change: c.1116G>A on transcript NM_007294.4 (MANE Select); coding-DNA position 1116, G replaced by A.
Protein change: p.Trp372Ter; replaces tryptophan 372 with a stop codon.
Molecular consequence: nonsense. On other transcripts: intron variant (137).
Genome position (GRCh38, 1-based): chr17:43,094,415, C>T on the plus strand (G>A on the coding strand, the complement: BRCA1 is on the minus strand). VCF-style: chr17-43094415-C-T. GRCh37 (hg19) VCF-style: chr17-41246432-C-T.
Other names: p.W372*:TGG>TGA; c.906G>A, p.Trp302Ter (NM_001407885.1, NM_001407886.1, NM_001407887.1 and 13 more transcripts); c.903G>A, p.Trp301Ter (NM_001407894.1, NM_001407895.1, NM_001407896.1 and 9 more transcripts); c.993G>A, p.Trp331Ter (NM_001407919.1, NM_001407937.1, NM_001407938.1 and 19 more transcripts); c.852G>A, p.Trp284Ter (NM_001407920.1, NM_001407921.1, NM_001407922.1 and 9 more transcripts); c.849G>A, p.Trp283Ter (NM_001407930.1, NM_001407931.1, NM_001407932.1 and 2 more transcripts); c.990G>A, p.Trp330Ter (NM_001407940.1, NM_001407941.1, NM_001407649.1 and 11 more transcripts); c.975G>A, p.Trp325Ter (NM_001407942.1, NM_001407944.1, NM_001407945.1 and 29 more transcripts); and 41 more; short protein forms W372*, W325*, W305*, W331*, W345*, W244*, W245*, W260*.
Identifiers: ClinVar variation 54135 (VCV000054135.66), dbSNP rs80357468, ClinGen allele CA000746.

ClinVar aggregate classification (germline): Pathogenic. Review status: reviewed by expert panel (3 of 4 stars). 13 submissions from 13 submitters: Pathogenic (1). 12 of the submissions do not count toward it. Last evaluated 2016-09-08.

Conditions:
Hereditary cancer-predisposing syndrome. Also called: Tumor predisposition; Neoplastic Syndromes, Hereditary; Hereditary Cancer Syndrome; Hereditary neoplastic syndrome. Identifiers: Orphanet 140162, MedGen C0027672, MeSH D009386, MONDO:0015356.
Hereditary breast ovarian cancer syndrome. Also called: Hereditary breast and ovarian cancer syndrome (HBOC); Hereditary breast and ovarian cancer syndrome; Hereditary breast and ovarian cancer; Hereditary breast and/or ovarian cancer syndrome; Breast and ovarian cancer; BRCA1- and BRCA2-Associated Hereditary Breast and Ovarian Cancer. Identifiers: Orphanet 145, MedGen C0677776, MeSH D061325, MONDO:0003582. Disease mechanism: loss of function.
Ovarian neoplasm. Also called: Ovarian tumor; Neoplasm of ovary; Ovarian Neoplasms. Identifiers: MedGen C0919267, MeSH D010051, MONDO:0021068, HP:0100615.
Breast-ovarian cancer, familial, susceptibility to, 1 (BROVCA1). Also called: OVARIAN CANCER, SUSCEPTIBILITY TO; BRCA1 Hereditary Breast and Ovarian Cancer. Identifiers: Orphanet 145, MedGen C2676676, MONDO:0011450, OMIM 604370. Disease mechanism: loss of function.

gnomAD v4.1: 1 of 1,614,146 alleles (0.000062%); highest among the groups gnomAD compares: Non-Finnish European, 0.000085%; no homozygotes.

Submissions (13):

Evidence-based Network for the Interpretation of Germline Mutant Alleles (ENIGMA)
Classification: Pathogenic for Breast-ovarian cancer, familial, susceptibility to, 1. Last evaluated: 2016-09-08. Review status: reviewed by expert panel. Criteria: ENIGMA BRCA1/2 Classification Criteria (2015). Collection method: curation. Allele origin: germline.
Comment: Variant allele predicted to encode a truncated non-functional protein.

Labcorp Genetics (formerly Invitae), Labcorp
Classification: Pathogenic for Hereditary breast ovarian cancer syndrome. Last evaluated: 2025-11-30. Review status: criteria provided, single submitter. Criteria: Invitae Variant Classification Sherloc (09022015). Collection method: clinical testing. Allele origin: germline. Not counted in ClinVar's aggregate classification.
Comment: This sequence change creates a premature translational stop signal (p.Trp372*) in the BRCA1 gene. It is expected to result in an absent or disrupted protein product. Loss-of-function variants in BRCA1 are known to be pathogenic (PMID: 20104584). This variant is not present in population databases (gnomAD no frequency). This premature translational stop signal has been observed in individual(s) with breast and/or ovarian cancer and melanoma (PMID: 9333265, 11504767, 16515586, 16683254, 26681312, 26848529, 27656653, 28724667). This variant is also known as c.1235G>A. ClinVar contains an entry for this variant (Variation ID: 54135). For these reasons, this variant has been classified as Pathogenic.

Ambry Genetics
Classification: Pathogenic for Hereditary cancer-predisposing syndrome. Last evaluated: 2025-11-13. Review status: criteria provided, single submitter. Criteria: Ambry Variant Classification Scheme 2023. Collection method: clinical testing. Allele origin: germline. Not counted in ClinVar's aggregate classification.
Comment: The p.W372* pathogenic mutation (also known as c.1116G>A), located in coding exon 9 of the BRCA1 gene, results from a G to A substitution at nucleotide position 1116. This changes the amino acid from a tryptophan to a stop codon within coding exon 9. This variant is considered to be rare based on population cohorts in the Genome Aggregation Database (gnomAD). This alteration is expected to result in loss of function by premature protein truncation or nonsense-mediated mRNA decay. As such, this alteration is interpreted as a disease-causing mutation.

Quest Diagnostics Nichols Institute San Juan Capistrano
Classification: Pathogenic. Last evaluated: 2025-09-11. Review status: criteria provided, single submitter. Criteria: Quest Diagnostics criteria. Collection method: clinical testing. Allele origin: unknown. Not counted in ClinVar's aggregate classification.
Comment: The BRCA1 c.1116G>A (p.Trp372*) variant causes the premature termination of BRCA1 protein synthesis. This variant has been reported in the published literature in individuals with breast cancer (PMID: 9333265 (1997), 11504767 (2001), 25452441 (2015), 26848529 (2016), 28724667 (2017)). This variant has not been reported in large, multi-ethnic general populations (Genome Aggregation Database). Based on the available information, this variant is classified as pathogenic.

Baylor Genetics
Classification: Pathogenic for Breast-ovarian cancer, familial, susceptibility to, 1. Last evaluated: 2023-12-14. Review status: criteria provided, single submitter. Criteria: ACMG Guidelines, 2015. Collection method: clinical testing. Allele origin: unknown. Not counted in ClinVar's aggregate classification.

GeneDx
Classification: Pathogenic. Last evaluated: 2023-11-25. Review status: criteria provided, single submitter. Criteria: GeneDx Variant Classification Process June 2021. Collection method: clinical testing. Allele origin: germline. Affected: yes. Not counted in ClinVar's aggregate classification.
Comment: Nonsense variant predicted to result in protein truncation or nonsense mediated decay in a gene for which loss of function is a known mechanism of disease; Not observed at significant frequency in large population cohorts (gnomAD); Truncating variants in this gene are considered pathogenic by a well-established clinical consortium and/or database; Also known as 1235G>A; This variant is associated with the following publications: (PMID: 22010008, 25525159, 9333265, 10644434, 25452441, 29446198, 30702160, 26681312, 31825140, 28724667, 28888541, 11597388)

Women's Health and Genetics/Laboratory Corporation of America, LabCorp
Classification: Pathogenic for Hereditary breast ovarian cancer syndrome. Last evaluated: 2023-01-30. Review status: criteria provided, single submitter. Criteria: LabCorp Variant Classification Summary - May 2015. Collection method: clinical testing. Allele origin: germline. Not counted in ClinVar's aggregate classification.
Comment: Variant summary: BRCA1 c.1116G>A (p.Trp372X) results in a premature termination codon, predicted to cause a truncation of the encoded protein or absence of the protein due to nonsense mediated decay, which are commonly known mechanisms for disease. Truncations downstream of this position have been classified as pathogenic by our laboratory. The variant was absent in 251174 control chromosomes. c.1116G>A has been reported in the literature in individuals affected with Hereditary Breast And Ovarian Cancer Syndrome. Seven clinical diagnostic laboratories have submitted clinical-significance assessments for this variant to ClinVar after 2014 without evidence for independent evaluation. All laboratories classified the variant as pathogenic. Based on the evidence outlined above, the variant was classified as pathogenic.

Laboratory for Molecular Medicine, Mass General Brigham Personalized Medicine
Classification: Pathogenic for Hereditary breast ovarian cancer syndrome. Last evaluated: 2018-08-09. Review status: criteria provided, single submitter. Criteria: ACMG Guidelines, 2015. Collection method: clinical testing. Allele origin: germline. Inheritance: Autosomal dominant inheritance. Not counted in ClinVar's aggregate classification.
Comment: The p.Trp372X variant in BRCA1 has been reported in at least 2 individuals with breast cancer (Shattuck-Eidens 1997, Couch 2015) and one individual with melanoma (Susswein 2015). In addition, this variant was classified as Pathogenic on Setptember 8, 2016 by the ClinGen-approved ENIGMA expert panel (ClinVar SCV000299541.2). This variant was absent from large population studies. This nonsense variant leads to a premature termination codon at position 372 which is predicted to lead to a truncated or absent protein. Heterozygous loss of function of the BRCA1 gene is an established disease mechanism in hereditary breast and ovarian cancer syndrome. In summary, this variant meets criteria to be classified as pathogenic for hereditary breast and ovarian cancer syndrome in an autosomal dominant manner based upon case reports, absence from controls and predicted impact on protein. ACMG/AMP Criteria applied: PM2, PP4, PVS1 (Richards 2015).

Consortium of Investigators of Modifiers of BRCA1/2 (CIMBA), c/o University of Cambridge
Classification: Pathogenic for Breast-ovarian cancer, familial, susceptibility to, 1. Last evaluated: 2015-10-02. Review status: criteria provided, single submitter. Criteria: CIMBA Mutation Classification guidelines May 2016. Collection method: clinical testing. Allele origin: germline. Not counted in ClinVar's aggregate classification.

BRCAlab, Lund University
Classification: Pathogenic for Breast-ovarian cancer, familial, susceptibility to, 1. Last evaluated: 2020-03-02. Review status: no assertion criteria provided. Collection method: clinical testing. Allele origin: germline. Affected: yes. Not counted in ClinVar's aggregate classification.

German Consortium for Hereditary Breast and Ovarian Cancer, University Hospital Cologne
Classification: Pathogenic for Ovarian neoplasm. Last evaluated: 2018-12-01. Review status: no assertion criteria provided. Collection method: research. Allele origin: germline. Affected: yes. Not counted in ClinVar's aggregate classification.

Research Molecular Genetics Laboratory, Women's College Hospital, University of Toronto
Classification: Pathogenic for Hereditary breast ovarian cancer syndrome. Last evaluated: 2014-01-31. Review status: no assertion criteria provided. Collection method: research. Allele origin: germline. Affected: yes. Study: The Canadian Open Genetics Repository (COGR). Not counted in ClinVar's aggregate classification.

Breast Cancer Information Core (BIC) (BRCA1)
Classification: Pathogenic for Breast-ovarian cancer, familial 1. Last evaluated: 1998-08-26. Review status: no assertion criteria provided. Collection method: clinical testing. Allele origin: germline, somatic. Affected: yes. Observed: 6 variant alleles. Not counted in ClinVar's aggregate classification.

Literature cited by the submitters: PubMed 20104584 (cited by Labcorp Genetics (formerly Invitae), Labcorp); PubMed 9333265 (cited by 4 submitters); PubMed 11504767 (cited by Labcorp Genetics (formerly Invitae), Labcorp and Quest Diagnostics Nichols Institute San Juan Capistrano); PubMed 16515586 (cited by Labcorp Genetics (formerly Invitae), Labcorp); PubMed 16683254 (cited by Labcorp Genetics (formerly Invitae), Labcorp); PubMed 26681312 (cited by Labcorp Genetics (formerly Invitae), Labcorp and Laboratory for Molecular Medicine, Mass General Brigham Personalized Medicine); PubMed 26848529 (cited by Labcorp Genetics (formerly Invitae), Labcorp and Quest Diagnostics Nichols Institute San Juan Capistrano); PubMed 27656653 (cited by Labcorp Genetics (formerly Invitae), Labcorp); PubMed 28724667 (cited by Labcorp Genetics (formerly Invitae), Labcorp and Quest Diagnostics Nichols Institute San Juan Capistrano); PubMed 10644434 (cited by Ambry Genetics and Laboratory for Molecular Medicine, Mass General Brigham Personalized Medicine); PubMed 25452441 (cited by Quest Diagnostics Nichols Institute San Juan Capistrano and Laboratory for Molecular Medicine, Mass General Brigham Personalized Medicine); PubMed 26295337 (cited by Quest Diagnostics Nichols Institute San Juan Capistrano); PubMed 16267036 (cited by Women's Health and Genetics/Laboratory Corporation of America, LabCorp); PubMed 15712267 (cited by Breast Cancer Information Core (BIC) (BRCA1)).